The following is an entry in ClinVar:

ClinVar aggregate classification (germline): Likely benign (1 of 4 stars; one submission).

Conditions:
NRP2-related disorder. Also called: NRP2-related condition.

gnomAD v4.1: 31 of 1,613,958 alleles (0.0019%); highest among the groups gnomAD compares: African/African-American, 0.036%; no homozygotes.

Submission:

PreventionGenetics, part of Exact Sciences
Classification: Likely benign for NRP2-related condition. Last evaluated: 2024-10-14. Review status: criteria provided, single submitter. Criteria: ACMG Guidelines, 2015. Collection method: clinical testing. Allele origin: germline.
Comment: This variant is classified as likely benign based on ACMG/AMP sequence variant interpretation guidelines (Richards et al. 2015 PMID: 25741868, with internal and published modifications).

NM_003872.3(NRP2):c.39C>A (p.Leu13=)

Gene: NRP2 (neuropilin 2; plus strand). Cytogenetic location: 2q33.3.
Variant type: single nucleotide variant.
Coding change: c.39C>A on transcript NM_003872.3 (MANE Select); coding-DNA position 39, C replaced by A.
Protein change: p.Leu13=; no amino-acid change (leucine 13 retained).
Molecular consequence: synonymous variant.
Genome position (GRCh38, 1-based): chr2:205,683,329, C>A. VCF-style: chr2-205683329-C-A. GRCh37 (hg19) VCF-style: chr2-206548053-C-A.
Other names: c.39C>A, p.Leu13= (NM_018534.4, NM_201264.2, NM_201266.2 and 2 more transcripts).
Identifiers: ClinVar variation 4977954 (VCV004977954.1).